The following is an entry in ClinVar:

ClinVar aggregate classification (germline): Uncertain significance (1 of 4 stars; one submission).

Conditions:
Cohen syndrome (COH1). Also called: Cutis verticis gyrata, retinitis pigmentosa, and sensorineural deafness; PEPPER SYNDROME. Identifiers: Orphanet 193, MedGen C0265223, MONDO:0008999, OMIM 216550.

gnomAD v4.1: 3 of 1,614,064 alleles (0.00019%); highest among the groups gnomAD compares: Non-Finnish European, 0.00025%; no homozygotes.

Submission:

Labcorp Genetics (formerly Invitae), Labcorp
Classification: Uncertain significance for Cohen syndrome. Last evaluated: 2021-09-15. Review status: criteria provided, single submitter. Criteria: Invitae Variant Classification Sherloc (09022015). Collection method: clinical testing. Allele origin: germline.
Comment: In summary, the available evidence is currently insufficient to determine the role of this variant in disease. Therefore, it has been classified as a Variant of Uncertain Significance. Algorithms developed to predict the effect of missense changes on protein structure and function are either unavailable or do not agree on the potential impact of this missense change (SIFT: "Not Available"; PolyPhen-2: "Benign"; Align-GVGD: "Not Available"). This variant has not been reported in the literature in individuals affected with VPS13B-related conditions. This variant is not present in population databases (ExAC no frequency). This sequence change replaces glutamine with histidine at codon 336 of the VPS13B protein (p.Gln336His). The glutamine residue is weakly conserved and there is a small physicochemical difference between glutamine and histidine.

NM_152564.5(VPS13B):c.1008G>C (p.Gln336His)

Gene: VPS13B (vacuolar protein sorting 13 homolog B; plus strand). Cytogenetic location: 8q22.2.
Variant type: single nucleotide variant.
Coding change: c.1008G>C on transcript NM_152564.5 (MANE Select); coding-DNA position 1008, G replaced by C.
Protein change: p.Gln336His; replaces glutamine 336 with histidine.
Molecular consequence: missense variant. On other transcripts: non-coding transcript variant (1).
Genome position (GRCh38, 1-based): chr8:99,121,247, G>C. VCF-style: chr8-99121247-G-C. GRCh37 (hg19) VCF-style: chr8-100133475-G-C.
Other names: c.1008G>C, p.Gln336His (NM_015243.3, NM_017890.5, NM_181661.3); short protein forms Q336H.
Identifiers: ClinVar variation 1425460 (VCV001425460.6), dbSNP rs2132515981, ClinGen allele CA371860908.
Genomic context (GRCh38, chr8:99,121,247, plus strand): 5'-TGAAACAAGAATAGATATGCAATATCCTGCTCAGCATAAAGGTCAAGAGTTATATTCACA[G>C]CAAGATGAGGAGCAGCCACAGGGATGGGTGTCATGGGCCTGGTCCTTTGTGCCTGCAATT-3'
Protein context (NP_689777.3, residues 326-346): AQHKGQELYS[Gln336His]QDEEQPQGWV